The following is an entry in ClinVar:

ClinVar aggregate classification (germline): Benign/Likely benign. Review status: criteria provided, multiple submitters, no conflicts (2 of 4 stars). 3 submissions from 3 submitters: Benign (2); Likely benign (1). Last evaluated 2023-03-28.

Conditions:
Surfactant metabolism dysfunction, pulmonary, 2 (SMDP2). Also called: DESQUAMATIVE INTERSTITIAL PNEUMONITIS DUE TO SURFACTANT PROTEIN C DEFICIENCY; INTERSTITIAL LUNG DISEASE DUE TO SURFACTANT PROTEIN C DEFICIENCY; PULMONARY ALVEOLAR PROTEINOSIS, CONGENITAL, 2. Identifiers: Orphanet 440392, MedGen C1970470, MONDO:0024465, OMIM 610913.

Allele frequency attached by ClinVar (database versions not stated): gnomAD exomes 0.17200; ExAC 0.20598; gnomAD 0.14333 and 0.14317; 1000 Genomes Project 0.10443; 1000 Genomes Project 30x 0.10681; TOPMed 0.13384.
gnomAD v4.1: 265,746 of 1,500,994 alleles (18%); highest among the groups gnomAD compares: Admixed American, 21%; 25,484 homozygotes.

Submissions (3):

Blueprint Genetics
Classification: Benign. Last evaluated: 2023-03-28. Review status: criteria provided, single submitter. Criteria: ACMG Guidelines, 2015. Collection method: clinical testing. Allele origin: germline.

Illumina Laboratory Services, Illumina
Classification: Benign for Surfactant metabolism dysfunction, pulmonary, 2. Last evaluated: 2018-01-13. Review status: criteria provided, single submitter. Criteria: ICSL Variant Classification Criteria 13 December 2019. Collection method: clinical testing. Allele origin: germline.
Comment: This variant was observed in the ICSL laboratory as part of a predisposition screen in an ostensibly healthy population. It had not been previously curated by ICSL or reported in the Human Gene Mutation Database (HGMD: prior to June 1st, 2018), and was therefore a candidate for classification through an automated scoring system. Utilizing variant allele frequency, disease prevalence and penetrance estimates, and inheritance mode, an automated score was calculated to assess if this variant is too frequent to cause the disease. Based on the score and internal cut-off values, a variant classified as benign is not then subjected to further curation. The score for this variant resulted in a classification of benign for this disease.

Breakthrough Genomics
Classification: Likely benign. Review status: criteria provided, single submitter. Criteria: ACMG Guidelines, 2015. Collection method: not provided. Allele origin: germline. Inheritance: Autosomal dominant inheritance. Affected: yes.

NM_001317778.2(SFTPC):c.*173C>T

Gene: SFTPC (surfactant protein C; plus strand). Cytogenetic location: 8p21.3.
Variant type: single nucleotide variant.
Coding change: c.*173C>T on transcript NM_001317778.2 (MANE Select); 173 bases downstream of the stop codon, C replaced by T.
Molecular consequence: 3 prime UTR variant.
Genome position (GRCh38, 1-based): chr8:22,164,420, C>T. VCF-style: chr8-22164420-C-T. GRCh37 (hg19) VCF-style: chr8-22021933-C-T.
Other names: c.*379C>T (NM_001172357.2); c.*165C>T (NM_001172410.2, NM_001317780.2); c.*173C>T (NM_001317779.2, NM_003018.4).
Identifiers: ClinVar variation 362569 (VCV000362569.8), dbSNP rs1126931, ClinGen allele CA4664111.